The following is an entry in ClinVar:

NM_000271.5(NPC1):c.2825G>A (p.Trp942Ter)

Gene: NPC1 (NPC intracellular cholesterol transporter 1; minus strand). Cytogenetic location: 18q11.2.
Variant type: single nucleotide variant.
Coding change: c.2825G>A on transcript NM_000271.5 (MANE Select); coding-DNA position 2825, G replaced by A.
Protein change: p.Trp942Ter; replaces tryptophan 942 with a stop codon.
Molecular consequence: nonsense.
Genome position (GRCh38, 1-based): chr18:23,539,441, C>T on the plus strand (G>A on the coding strand, the complement: NPC1 is on the minus strand). VCF-style: chr18-23539441-C-T. GRCh37 (hg19) VCF-style: chr18-21119405-C-T.
Other names: short protein forms W942*.
Identifiers: ClinVar variation 4818060 (VCV004818060.1).

ClinVar aggregate classification (germline): Likely pathogenic (1 of 4 stars; one submission).

Conditions:
Niemann-Pick disease, type C1. Also called: NIEMANN-PICK DISEASE, VARIANT TYPE C1; NEUROVISCERAL STORAGE DISEASE WITH VERTICAL SUPRANUCLEAR OPHTHALMOPLEGIA; NIEMANN-PICK DISEASE WITH CHOLESTEROL ESTERIFICATION BLOCK; NIEMANN-PICK DISEASE WITHOUT SPHINGOMYELINASE DEFICIENCY; NIEMANN-PICK DISEASE, CHRONIC NEURONOPATHIC FORM. Identifiers: Orphanet 646, MedGen C3179455, MONDO:0009757, OMIM 257220.

gnomAD v4.1: 1 of 1,613,494 alleles (0.000062%); highest among the groups gnomAD compares: African/African-American, 0.0013%; no homozygotes.

Submission:

Natera, Inc.
Classification: Likely pathogenic for Niemann-Pick disease type C1. Last evaluated: 2025-10-22. Review status: criteria provided, single submitter. Criteria: Natera Variant Classification Schema (03/2026). Collection method: clinical testing. Allele origin: germline.
Comment: The c.2825G>A variant in NPC1 is a nonsense variant predicted to introduce a stop codon at amino acid 942. This variant is expected to result in nonsense mediated decay, truncation, or a dysfunctional protein product. This variant is rare in the general population with a frequency below the threshold expected for the associated phenotype(s). Given the available evidence, this variant is classified as Likely Pathogenic.